The following is an entry in ClinVar:

ClinVar aggregate classification (germline): Conflicting classifications of pathogenicity. Review status: criteria provided, conflicting classifications (1 of 4 stars). 3 submissions from 3 submitters: Uncertain significance (2); Likely benign (1). Last evaluated 2025-04-24.

Conditions:
Neuromuscular disease caused by qualitative or quantitative defects of dysferlin. Also called: Dysferlinopathy; Qualitative or quantitative defects of dysferlin. Identifiers: Orphanet 207073, MedGen C2931687, MONDO:0016145.

Allele frequency attached by ClinVar (database versions not stated): TOPMed 0.00001; gnomAD 0.00002; gnomAD exomes 0.00004; ExAC 0.00009.
gnomAD v4.1: 61 of 1,613,904 alleles (0.0038%); highest among the groups gnomAD compares: South Asian, 0.043%; no homozygotes.

Submissions (3):

Revvity Omics, Revvity
Classification: Uncertain significance. Last evaluated: 2025-04-24. Review status: criteria provided, single submitter. Criteria: ACMG Guidelines, 2015. Collection method: clinical testing. Allele origin: germline.

Labcorp Genetics (formerly Invitae), Labcorp
Classification: Likely benign for Neuromuscular disease caused by qualitative or quantitative defects of dysferlin. Last evaluated: 2025-02-25. Review status: criteria provided, single submitter. Criteria: Invitae Variant Classification Sherloc (09022015). Collection method: clinical testing. Allele origin: germline.

CeGaT Center for Human Genetics Tuebingen
Classification: Uncertain significance. Last evaluated: 2024-03-01. Review status: criteria provided, single submitter. Criteria: CeGaT Center For Human Genetics Tuebingen Variant Classification Criteria Version 2. Collection method: clinical testing. Allele origin: germline. Affected: yes. Observed: 1 variant allele.
Comment: DYSF: PM2, BP4

NM_001130987.2(DYSF):c.3806G>A (p.Arg1269Gln)

Gene: DYSF (dysferlin; plus strand). Cytogenetic location: 2p13.2.
Variant type: single nucleotide variant.
Coding change: c.3806G>A on transcript NM_001130987.2 (MANE Select); coding-DNA position 3806, G replaced by A.
Protein change: p.Arg1269Gln; replaces arginine 1269 with glutamine.
Molecular consequence: missense variant.
Genome position (GRCh38, 1-based): chr2:71,600,751, G>A. VCF-style: chr2-71600751-G-A. GRCh37 (hg19) VCF-style: chr2-71827881-G-A.
Other names: c.3752G>A (NM_003494.3); c.3755G>A, p.Arg1252Gln (NM_001130455.2, NM_001130983.2); c.3710G>A, p.Arg1237Gln (NM_001130976.2, NM_001130977.2); c.3752G>A, p.Arg1251Gln (NM_001130978.2, NM_003494.4); c.3845G>A, p.Arg1282Gln (NM_001130979.2); c.3803G>A, p.Arg1268Gln (NM_001130980.2, NM_001130981.2); c.3848G>A, p.Arg1283Gln (NM_001130982.2); c.3713G>A, p.Arg1238Gln (NM_001130984.2, NM_001130986.2); and 1 more; short protein forms R1252Q, R1269Q, R1282Q, R1283Q, R1237Q, R1251Q, R1238Q, R1268Q.
Identifiers: ClinVar variation 2169231 (VCV002169231.28), dbSNP rs759192836, ClinGen allele CA1706712.